The following is an entry in ClinVar:

ClinVar aggregate classification (germline): Uncertain significance (1 of 4 stars; one submission).

Conditions:
Cardiovascular phenotype. Identifiers: MedGen CN230736.

Allele frequency attached by ClinVar (database versions not stated): gnomAD exomes below 0.00001; TOPMed below 0.00001.
gnomAD v4.1: 1 of 1,614,148 alleles (0.000062%); highest among the groups gnomAD compares: Non-Finnish European, 0.000085%; no homozygotes.

Submission:

Ambry Genetics
Classification: Uncertain significance for Cardiovascular phenotype. Last evaluated: 2020-02-10. Review status: criteria provided, single submitter. Criteria: Ambry Variant Classification Scheme 2023. Collection method: clinical testing. Allele origin: germline.
Comment: The p.L1252F variant (also known as c.3754C>T), located in coding exon 21 of the SCN10A gene, results from a C to T substitution at nucleotide position 3754. The leucine at codon 1252 is replaced by phenylalanine, an amino acid with highly similar properties. This amino acid position is highly conserved in available vertebrate species. In addition, the in silico prediction for this alteration is inconclusive. Since supporting evidence is limited at this time, the clinical significance of this alteration remains unclear.

NM_006514.4(SCN10A):c.3754C>T (p.Leu1252Phe)

Gene: SCN10A (sodium voltage-gated channel alpha subunit 10; minus strand). Cytogenetic location: 3p22.2.
Variant type: single nucleotide variant.
Coding change: c.3754C>T on transcript NM_006514.4 (MANE Select); coding-DNA position 3754, C replaced by T.
Protein change: p.Leu1252Phe; replaces leucine 1252 with phenylalanine.
Molecular consequence: missense variant.
Genome position (GRCh38, 1-based): chr3:38,714,008, G>A on the plus strand (C>T on the coding strand, the complement: SCN10A is on the minus strand). VCF-style: chr3-38714008-G-A. GRCh37 (hg19) VCF-style: chr3-38755499-G-A.
Other names: c.3751C>T, p.Leu1251Phe (NM_001293306.2); c.3460C>T, p.Leu1154Phe (NM_001293307.2); short protein forms L1252F, L1154F, L1251F.
Identifiers: ClinVar variation 1734590 (VCV001734590.2), dbSNP rs1455379558, ClinGen allele CA352151603.
Genomic context (GRCh38, chr3:38,714,008, plus strand): 5'-TCAGACTTACCCGCATGCCTTCAAATCGAGAAAGAGCCCGCAGTGGCCGCAGAGCGCGAA[G>A]GGTTCGAAGGGCTTTGATGGGAGCCACTTCAGAATATTCCAGAATCTTCGCTGTGAGACT-3'
Protein context (NP_006505.4, residues 1242-1262): EVAPIKALRT[Leu1252Phe]RALRPLRALS